The following is an entry in ClinVar:

ClinVar aggregate classification (germline): Pathogenic (1 of 4 stars; one submission).

Allele frequency attached by ClinVar (database versions not stated): gnomAD exomes below 0.00001 and 0.00001; TOPMed below 0.00001.

Submission:

Labcorp Genetics (formerly Invitae), Labcorp
Classification: Pathogenic. Last evaluated: 2023-10-13. Review status: criteria provided, single submitter. Criteria: Invitae Variant Classification Sherloc (09022015). Collection method: clinical testing. Allele origin: germline.
Comment: This sequence change creates a premature translational stop signal (p.Tyr456Leufs*13) in the ERCC6L2 gene. It is expected to result in an absent or disrupted protein product. Loss-of-function variants in ERCC6L2 are known to be pathogenic (PMID: 24507776, 27185855, 29146883, 29987015). This variant is present in population databases (no rsID available, gnomAD 0.01%). This variant has not been reported in the literature in individuals affected with ERCC6L2-related conditions. ClinVar contains an entry for this variant (Variation ID: 1452306). For these reasons, this variant has been classified as Pathogenic.

Literature cited by the submitters: PubMed 24507776; PubMed 27185855; PubMed 29146883; PubMed 29987015.

NM_020207.7(ERCC6L2):c.1333dup (p.Tyr445fs)

Gene: ERCC6L2 (ERCC excision repair 6 like 2; plus strand). Cytogenetic location: 9q22.32.
Variant type: Duplication.
Coding change: c.1333dup on transcript NM_020207.7 (MANE Select); coding-DNA position 1333, one base duplicated (T; older notation c.1333dupT).
Protein change: p.Tyr445fs; shifts the reading frame from tyrosine 445.
Molecular consequence: frameshift variant. On other transcripts: non-coding transcript variant (1).
Genome position (GRCh38, 1-based): chr9:95,922,338, T duplicated. VCF-style (leftmost placement, unchanged base first): chr9-95922337-G-GT. GRCh37 (hg19) VCF-style: chr9-98684619-G-GT.
Other names: c.1333dup, p.Tyr445fs (NM_001010895.4, NM_001375291.1, NM_001375292.1 and 2 more transcripts); short protein forms Y445fs.
Identifiers: ClinVar variation 1452306 (VCV001452306.6), dbSNP rs1336842896, ClinGen allele CA589275240.
Genomic context (GRCh38, chr9:95,922,337, plus strand): 5'-TTTATTTTCTATATTTTTCTGGTTACAGACCAATTCTCATGGTGAAACAGTGAAAACCTT[G>GT]TATCTCAGTTACCTTACAGTCCTTCAGAAGGTAGCTAACCATGTCGCGCTACTGCAAGCT-3'